The following is an entry in ClinVar:

NM_005559.4(LAMA1):c.4723G>A (p.Val1575Ile)

Gene: LAMA1 (laminin subunit alpha 1; minus strand). Cytogenetic location: 18p11.31.
Variant type: single nucleotide variant.
Coding change: c.4723G>A on transcript NM_005559.4 (MANE Select); coding-DNA position 4723, G replaced by A.
Protein change: p.Val1575Ile; replaces valine 1575 with isoleucine.
Molecular consequence: missense variant.
Genome position (GRCh38, 1-based): chr18:6,997,825, C>T on the plus strand (G>A on the coding strand, the complement: LAMA1 is on the minus strand). VCF-style: chr18-6997825-C-T. GRCh37 (hg19) VCF-style: chr18-6997824-C-T.
Other names: short protein forms V1575I.
Identifiers: ClinVar variation 1498864 (VCV001498864.6), dbSNP rs150510890, ClinGen allele CA8881825.
Genomic context (GRCh38, chr18:6,997,825, plus strand): 5'-CCAGGTTTGACAAAATTCCATATGGGACAGGGATAATGCCAGTGAGGTTCAGAGAAAGAA[C>T]GGCATCACCAATCTCATCCAAGTCATTCAGCAGCACACCTACACACTCATCATCACAGGC-3'
Protein context (NP_005550.2, residues 1565-1585): LNDLDEIGDA[Val1575Ile]LSLNLTGIIP

ClinVar aggregate classification (germline): Uncertain significance. Review status: criteria provided, multiple submitters, no conflicts (2 of 4 stars). 3 submissions from 3 submitters: Uncertain significance (3). Last evaluated 2026-01-21.

Allele frequency attached by ClinVar (database versions not stated): ESP Exome Variant Server 0.00008; ExAC 0.00011; gnomAD exomes 0.00012 and 0.00024; TOPMed 0.00016; gnomAD 0.00017.
gnomAD v4.1: 366 of 1,613,830 alleles (0.023%); highest among the groups gnomAD compares: Non-Finnish European, 0.029%; no homozygotes.

Submissions (3):

Women's Health and Genetics/Laboratory Corporation of America, LabCorp
Classification: Uncertain significance. Last evaluated: 2026-01-21. Review status: criteria provided, single submitter. Criteria: LabCorp Variant Classification Summary - May 2015. Collection method: clinical testing. Allele origin: germline.
Comment: Variant summary: LAMA1 c.4723G>A (p.Val1575Ile) results in a conservative amino acid change in the encoded protein sequence. Algorithms developed to predict the effect of missense changes on protein structure and function all suggest that this variant is likely to be tolerated. The variant allele was found at a frequency of 0.00012 in 251462 control chromosomes. This frequency is not significantly higher than estimated for disease-causing variants in LAMA1, allowing no conclusion about variant significance. To our knowledge, no occurrence of c.4723G>A in individuals affected with LAMA1-related conditions and no experimental evidence demonstrating its impact on protein function have been reported. ClinVar contains an entry for this variant (Variation ID: 1498864). Based on the evidence outlined above, the variant was classified as uncertain significance.

Labcorp Genetics (formerly Invitae), Labcorp
Classification: Uncertain significance. Last evaluated: 2022-11-02. Review status: criteria provided, single submitter. Criteria: Invitae Variant Classification Sherloc (09022015). Collection method: clinical testing. Allele origin: germline.
Comment: This sequence change replaces valine, which is neutral and non-polar, with isoleucine, which is neutral and non-polar, at codon 1575 of the LAMA1 protein (p.Val1575Ile). This variant is present in population databases (rs150510890, gnomAD 0.02%). This variant has not been reported in the literature in individuals affected with LAMA1-related conditions. ClinVar contains an entry for this variant (Variation ID: 1498864). Advanced modeling of protein sequence and biophysical properties (such as structural, functional, and spatial information, amino acid conservation, physicochemical variation, residue mobility, and thermodynamic stability) performed at Invitae indicates that this missense variant is not expected to disrupt LAMA1 protein function. In summary, the available evidence is currently insufficient to determine the role of this variant in disease. Therefore, it has been classified as a Variant of Uncertain Significance.

GeneDx
Classification: Uncertain significance. Last evaluated: 2022-03-25. Review status: criteria provided, single submitter. Criteria: GeneDx Variant Classification Process June 2021. Collection method: clinical testing. Allele origin: germline. Affected: yes.
Comment: In silico analysis supports that this missense variant does not alter protein structure/function; Has not been previously published as pathogenic or benign to our knowledge